The following is an entry in ClinVar:

NM_001267550.2(TTN):c.66692G>A (p.Arg22231His)

Genes: TTN (titin; minus strand), TTN-AS1 (TTN antisense RNA 1; plus strand). Cytogenetic location: 2q31.2.
Variant type: single nucleotide variant.
Coding change: c.66692G>A on transcript NM_001267550.2 (MANE Select); coding-DNA position 66692, G replaced by A.
Protein change: p.Arg22231His; replaces arginine 22231 with histidine.
Molecular consequence: missense variant.
Genome position (GRCh38, 1-based): chr2:178,581,576, C>T on the plus strand (G>A on the coding strand, the complement: TTN is on the minus strand). VCF-style: chr2-178581576-C-T. GRCh37 (hg19) VCF-style: chr2-179446303-C-T.
Other names: p.Arg20590His; c.61769G>A, p.Arg20590His (NM_001256850.1); c.39497G>A, p.Arg13166His (NM_003319.4); c.58988G>A, p.Arg19663His (NM_133378.4); c.39872G>A, p.Arg13291His (NM_133432.3); c.40073G>A, p.Arg13358His (NM_133437.4); short protein forms R22231H, R19663H, R20590H, R13166H, R13291H, R13358H.
Identifiers: ClinVar variation 47240 (VCV000047240.40), dbSNP rs200971254, ClinGen allele CA210975.

ClinVar aggregate classification (germline): Conflicting classifications of pathogenicity. Review status: criteria provided, conflicting classifications (1 of 4 stars). 22 submissions from 18 submitters: Uncertain significance (2); Benign (5); Likely benign (11). 4 of the submissions do not count toward it. Last evaluated 2026-02-04.

Conditions:
TTN-related disorder. Also called: TTN-related disorders; TTN-related condition; TTN-related disease.
Cardiovascular phenotype. Identifiers: MedGen CN230736.
Dilated cardiomyopathy 1G (CMD1G). Identifiers: Orphanet 154, MedGen C1858763, MONDO:0011400, OMIM 604145.
Autosomal recessive limb-girdle muscular dystrophy type 2J (LGMDR10). Also called: MUSCULAR DYSTROPHY, LIMB-GIRDLE, AUTOSOMAL RECESSIVE 10; Limb-girdle muscular dystrophy, type 2J. Identifiers: Orphanet 140922, MedGen C1837342, MONDO:0012127, OMIM 608807.
Cardiomyopathy (CMYO). Also called: Cardiomyopathies. Identifiers: Orphanet 167848, MedGen C0878544, MONDO:0004994, HP:0001638. Inheritance: Various modes of inheritance.
Early-onset myopathy with fatal cardiomyopathy (CMYO5). Also called: CONGENITAL MYOPATHY 5 WITH CARDIOMYOPATHY; Salih Myopathy. Identifiers: Orphanet 289377, MedGen C2673677, MONDO:0012714, OMIM 611705. Disease mechanism: loss of function.
Myopathy, myofibrillar, 9, with early respiratory failure (MFM9). Also called: Myopathy, distal, with early respiratory failure, autosomal dominant; Hereditary myopathy with early respiratory failure; MYOPATHY, PROXIMAL, WITH EARLY RESPIRATORY MUSCLE INVOLVEMENT; EDSTROM MYOPATHY. Identifiers: Orphanet 178464, Orphanet 34521, MedGen C1863599, MONDO:0011362, OMIM 603689.
Tibial muscular dystrophy (TMD). Also called: Udd Distal Myopathy – Tibial Muscular Dystrophy; Tibial muscular dystrophy, tardive; UDD MYOPATHY. Identifiers: Orphanet 609, MedGen C1838244, MONDO:0010870, OMIM 600334.

Allele frequency attached by ClinVar (database versions not stated): gnomAD 0.00119 and 0.00111; 1000 Genomes Project 30x 0.00187; TOPMed 0.00142; 1000 Genomes Project 0.00180; ESP Exome Variant Server 0.00090.
gnomAD v4.1: 356 of 1,612,618 alleles (0.022%); highest among the groups gnomAD compares: African/African-American, 0.36%; 1 homozygote.

Submissions (24):

Labcorp Genetics (formerly Invitae), Labcorp
Classification: Likely benign for Dilated cardiomyopathy 1G; Autosomal recessive limb-girdle muscular dystrophy type 2J. Last evaluated: 2026-02-04. Review status: criteria provided, single submitter. Criteria: Invitae Variant Classification Sherloc (09022015). Collection method: clinical testing. Allele origin: germline.

Women's Health and Genetics/Laboratory Corporation of America, LabCorp
Classification: Likely benign. Last evaluated: 2025-12-19. Review status: criteria provided, single submitter. Criteria: LabCorp Variant Classification Summary - May 2015. Collection method: clinical testing. Allele origin: germline.
Comment: Variant summary: TTN c.58988G>A (p.Arg19663His) results in a non-conservative amino acid change located in the A-band of the encoded protein sequence. Algorithms developed to predict the effect of missense changes on protein structure and function all suggest that this variant is likely to be disruptive. The variant allele was found at a frequency of 0.00034 in 247816 control chromosomes, predominantly at a frequency of 0.0039 within the African or African-American subpopulation in the gnomAD database. The observed variant frequency within African or African-American control individuals in the gnomAD database exceeds the estimated maximal expected allele frequency for disease-causing variants in TTN. c.58988G>A has been reported in the literature in at least an individual affected with long QT syndrome (example: Martnez-Barrios_2022). This report however, does not provide unequivocal conclusions about association of the variant with Dilated Cardiomyopathy. The following publication has been ascertained in the context of this evaluation (PMID: 35207729). ClinVar contains an entry for this variant (Variation ID: 47240). Based on the evidence outlined above, the variant was classified as likely benign.

Mayo Clinic Laboratories, Mayo Clinic
Classification: Likely benign. Last evaluated: 2025-10-02. Review status: criteria provided, single submitter. Criteria: ACMG Guidelines, 2015. Collection method: clinical testing. Allele origin: germline. Observed: 2 variant alleles.
Comment: BS1

Molecular Diagnostic Laboratory for Inherited Cardiovascular Disease, Montreal Heart Institute
Classification: Likely benign. Last evaluated: 2025-04-09. Review status: criteria provided, single submitter. Criteria: ACMG Guidelines, 2015. Collection method: clinical testing. Allele origin: germline. Affected: no.

PreventionGenetics, part of Exact Sciences
Classification: Likely benign for TTN-related condition. Last evaluated: 2024-10-04. Review status: criteria provided, single submitter. Criteria: ACMG Guidelines, 2015. Collection method: clinical testing. Allele origin: germline.
Comment: This variant is classified as likely benign based on ACMG/AMP sequence variant interpretation guidelines (Richards et al. 2015 PMID: 25741868, with internal and published modifications).

Blueprint Genetics
Classification: Likely benign. Last evaluated: 2024-09-02. Review status: criteria provided, single submitter. Criteria: ACMG Guidelines, 2015. Collection method: clinical testing. Allele origin: germline.

ARUP Laboratories, Molecular Genetics and Genomics, ARUP Laboratories
Classification: Likely benign. Last evaluated: 2024-07-22. Review status: criteria provided, single submitter. Criteria: ARUP Molecular Germline Variant Investigation Process 2024. Collection method: clinical testing. Allele origin: germline.

Ambry Genetics
Classification: Likely benign for Cardiovascular phenotype. Last evaluated: 2024-04-22. Review status: criteria provided, single submitter. Criteria: Ambry Variant Classification Scheme 2023. Collection method: clinical testing. Allele origin: germline.

Athena Diagnostics
Classification: Benign. Last evaluated: 2019-06-30. Review status: criteria provided, single submitter. Criteria: Athena Diagnostics Criteria. Collection method: clinical testing. Allele origin: germline.

CHEO Genetics Diagnostic Laboratory, Children's Hospital of Eastern Ontario
Classification: Benign for Cardiomyopathy. Last evaluated: 2018-03-29. Review status: criteria provided, single submitter. Criteria: ACMG Guidelines, 2015. Collection method: clinical testing. Allele origin: germline.

Illumina Laboratory Services, Illumina
Classification: Benign for Myopathy, myofibrillar, 9, with early respiratory failure. Last evaluated: 2017-09-24. Review status: criteria provided, single submitter. Criteria: ICSL Variant Classification Criteria 13 December 2019. Collection method: clinical testing. Allele origin: germline.
Comment: This variant was observed as part of a predisposition screen in an ostensibly healthy population. A literature search was performed for the gene, cDNA change, and amino acid change (where applicable). No publications were found based on this search. Allele frequency data from public databases was too high to be consistent with this variant causing disease. Therefore, this variant is classified as benign.

Illumina Laboratory Services, Illumina
Classification: Likely benign for Dilated cardiomyopathy 1G. Last evaluated: 2017-09-24. Review status: criteria provided, single submitter. Criteria: ICSL Variant Classification Criteria 13 December 2019. Collection method: clinical testing. Allele origin: germline.
Comment: This variant was observed as part of a predisposition screen in an ostensibly healthy population. A literature search was performed for the gene, cDNA change, and amino acid change (where applicable). No publications were found based on this search. Allele frequency data from public databases allowed determination this variant is unlikely to cause disease. Therefore, this variant is classified as likely benign.

Illumina Laboratory Services, Illumina
Classification: Benign for Tibial muscular dystrophy. Last evaluated: 2017-09-24. Review status: criteria provided, single submitter. Criteria: ICSL Variant Classification Criteria 13 December 2019. Collection method: clinical testing. Allele origin: germline.
Comment: the same text as in the submission from Illumina Laboratory Services, Illumina above.

Illumina Laboratory Services, Illumina
Classification: Uncertain significance for Autosomal recessive limb-girdle muscular dystrophy type 2J. Last evaluated: 2017-04-28. Review status: criteria provided, single submitter. Criteria: ICSL Variant Classification Criteria 13 December 2019. Collection method: clinical testing. Allele origin: germline.

Illumina Laboratory Services, Illumina
Classification: Uncertain significance for Early-onset myopathy with fatal cardiomyopathy. Last evaluated: 2017-04-28. Review status: criteria provided, single submitter. Criteria: ICSL Variant Classification Criteria 13 December 2019. Collection method: clinical testing. Allele origin: germline.

Eurofins Ntd Llc (ga)
Classification: Likely benign. Last evaluated: 2015-09-10. Review status: criteria provided, single submitter. Criteria: EGL Classification Definitions 2015. Collection method: clinical testing. Allele origin: germline. Observed: 1 variant allele, 1 heterozygote.

Laboratory for Molecular Medicine, Mass General Brigham Personalized Medicine
Classification: Likely benign. Last evaluated: 2015-08-12. Review status: criteria provided, single submitter. Criteria: LMM Criteria. Collection method: clinical testing. Allele origin: germline. Observed: 6 variant alleles.
Comment: p.Arg19663His in exon 265 in TTN: This variant is not expected to have clinical significance because it has been identified in 0.4% (37/9764) of African chromos omes by the Exome Aggregation Consortium (ExAC; dbSNP rs200971254).

GeneDx
Classification: Benign. Last evaluated: 2014-10-07. Review status: criteria provided, single submitter. Criteria: GeneDx Variant Classification (06012015). Collection method: clinical testing. Allele origin: germline. Affected: yes.
Comment: This variant is considered likely benign or benign based on one or more of the following criteria: it is a conservative change, it occurs at a poorly conserved position in the protein, it is predicted to be benign by multiple in silico algorithms, and/or has population frequency not consistent with disease.

Clinical Genetics DNA and cytogenetics Diagnostics Lab, Erasmus MC, Erasmus Medical Center
Classification: Likely benign. Review status: no assertion criteria provided. Collection method: clinical testing. Allele origin: germline. Affected: yes. Study: VKGL Data-share Consensus. Not counted in ClinVar's aggregate classification.

Clinical Genetics, Academic Medical Center
Classification: Benign. Review status: no assertion criteria provided. Collection method: clinical testing. Allele origin: germline. Affected: yes. Study: VKGL Data-share Consensus. Not counted in ClinVar's aggregate classification.

Dr. Peter K. Rogan Lab, Western University
No classification provided (evidence only). Condition: Thyroid cancer, nonmedullary, 1. Review status: no classification provided. Collection method: in vitro. Allele origin: not applicable. Functional consequence: retained intron. Not counted in ClinVar's aggregate classification.

Dr. Peter K. Rogan Lab, Western University
No classification provided (evidence only). Condition: Thymoma. Review status: no classification provided. Collection method: in vitro. Allele origin: not applicable. Functional consequence: retained intron. Not counted in ClinVar's aggregate classification.

Genome Diagnostics Laboratory, University Medical Center Utrecht
Classification: Likely benign. Review status: no assertion criteria provided. Collection method: clinical testing. Allele origin: germline. Affected: yes. Study: VKGL Data-share Consensus. Not counted in ClinVar's aggregate classification.

Laboratory of Diagnostic Genome Analysis, Leiden University Medical Center (LUMC)
Classification: Likely benign. Review status: no assertion criteria provided. Collection method: clinical testing. Allele origin: germline. Affected: yes. Study: VKGL Data-share Consensus. Not counted in ClinVar's aggregate classification.

Literature cited by the submitters: PubMed 35207729 (cited by Women's Health and Genetics/Laboratory Corporation of America, LabCorp); PubMed 27788187 (cited by Mayo Clinic Laboratories, Mayo Clinic and Athena Diagnostics).